The following continues an entry in ClinVar:

NM_000059.4(BRCA2):c.8243G>A (p.Gly2748Asp)

Gene: BRCA2. ClinVar aggregate classification (germline): Pathogenic. Pathogenic (1). ClinVar aggregate classification (oncogenicity): Oncogenic.

Submissions 9 to 20 of 27:

All of Us Research Program, National Institutes of Health
Classification: Pathogenic for Breast-ovarian cancer, familial, susceptibility to, 2. Last evaluated: 2024-01-08. Review status: criteria provided, single submitter. Criteria: ACMG Guidelines, 2015. Collection method: clinical testing. Allele origin: germline. Inheritance: Autosomal dominant inheritance. Observed: 7 variant alleles, 7 heterozygotes. Not counted in ClinVar's aggregate classification.
Comment: This missense variant replaces glycine with aspartic acid at codon 2748 in the DNA binding domain of the BRCA2 protein. Computational prediction suggests that this variant may have deleterious impact on protein structure and function (internally defined REVEL score threshold >= 0.7, PMID: 27666373). Functional studies have found the variant protein to be defective in homology-directed DNA repair assays in mammalian and yeast cells and in corroborating assays (PMID: 18451181, 23108138, 23328489, 25146914, 29394989, 29988080, 33609447, 33978741, 35736817). This variant has been reported in at least 10 individuals and families with history of breast and/or ovarian cancer (PMID: 15026808, 18451181, 22711857, 26824983, 30078507, 30702160). This variant has been identified in 2/249060 chromosomes in the general population by the Genome Aggregation Database (gnomAD). Based on the available evidence, this variant is classified as Pathogenic.

This study involves interpretation of variants in research participants for the purpose of population health screening. Participant phenotype was not available at the time of variant classification. Additional details can be found in publication PMID: 35346344, PMCID: PMC8962531

Baylor Genetics
Classification: Pathogenic for Familial cancer of breast. Last evaluated: 2023-10-24. Review status: criteria provided, single submitter. Criteria: ACMG Guidelines, 2015. Collection method: clinical testing. Allele origin: unknown. Not counted in ClinVar's aggregate classification.

GeneDx
Classification: Pathogenic. Last evaluated: 2023-10-24. Review status: criteria provided, single submitter. Criteria: GeneDx Variant Classification Process June 2021. Collection method: clinical testing. Allele origin: germline. Affected: yes. Not counted in ClinVar's aggregate classification.
Comment: Published functional studies demonstrate a damaging effect: decreased homology-directed repair activity, increased centrosome amplification, and inability to rescue BRCA2-deficiency (PMID: 18451181, 23108138, 23328489, 25146914, 29884841, 35736817); Multifactorial studies suggest this variant is associated with breast and ovarian cancer (PMID: 35665744, 17924331, 21990134); Observed in multiple individuals with personal and family history consistent with pathogenic variants in this gene (PMID: 15026808, 17924331, 18451181, 25447315, 26824983); Not observed at significant frequency in large population cohorts (gnomAD); In silico analysis supports that this missense variant does not alter protein structure/function; Also known as 8471G>A; This variant is associated with the following publications: (PMID: 26824983, 24504028, 25504618, 30078507, 29446198, 25447315, 19043619, 21671020, 18451181, 23108138, 25146914, 23328489, 24323938, 17924331, 25085752, 15026808, 18403564, 26269718, 29394989, 29922827, 28726806, 29988080, 30720243, 30702160, 32444794, 31447099, 32029870, 29884841, 33964450, 30787465, 33978741, 36061650, 36249907, 34906479, 28888541, 31825140, 33609447, 35665744, 35736817, 35264596, 21990134, 12228710)

Mayo Clinic Laboratories, Mayo Clinic
Classification: Pathogenic. Last evaluated: 2022-09-29. Review status: criteria provided, single submitter. Criteria: ACMG Guidelines, 2015. Collection method: clinical testing. Allele origin: germline. Observed: 1 variant allele. Not counted in ClinVar's aggregate classification.
Comment: PP3, PP5, PM1, PM2, PS3

Revvity Omics, Revvity
Classification: Likely pathogenic. Last evaluated: 2022-02-08. Review status: criteria provided, single submitter. Criteria: ACMG Guidelines, 2015. Collection method: clinical testing. Allele origin: germline. Not counted in ClinVar's aggregate classification.

ARUP Laboratories, Molecular Genetics and Genomics, ARUP Laboratories
Classification: Pathogenic. Last evaluated: 2021-11-23. Review status: criteria provided, single submitter. Criteria: ARUP Molecular Germline Variant Investigation Process 2021. Collection method: clinical testing. Allele origin: germline. Not counted in ClinVar's aggregate classification.
Comment: The BRCA2 c.8243G>A; p.Gly2748Asp variant (rs80359071) is reported in the literature in several individuals and families affected with breast and/or ovarian cancer (Bhaskaran 2019, Claes 2004, Easton 2007). This variant is also reported in ClinVar (Variation ID: 52535), and classified as pathogenic by the evidence-based network for the interpretation of germline mutant alleles (ENIGMA) expert panel (see link to ENIGMA consortium classification criteria). This variant is only observed on two alleles in the Genome Aggregation Database, indicating it is not a common polymorphism. The glycine at codon 2748 is highly conserved, and computational analyses predict that this variant is deleterious (REVEL: 0.877). Functional analyses of the variant protein show impaired homology directed repair activity (Balia 2011, Farrugia 2008, Guidugli 2013). Based on available information, this variant is considered to be pathogenic. References: Link to ENIGMA classification criteria: Balia C et al. Effect of the overexpression of BRCA2 unclassified missense variants on spontaneous homologous recombination in human cells. Breast Cancer Res Treat. 2011 Oct;129(3):1001-9. PMID: 21671020. Bhaskaran SP et al. Germline variation in BRCA1/2 is highly ethnic-specific: Evidence from over 30,000 Chinese hereditary breast and ovarian cancer patients. Int J Cancer. 2019 Aug 15;145(4):962-973. PMID: 30702160. Claes K et al. BRCA1 and BRCA2 germline mutation spectrum and frequencies in Belgian breast/ovarian cancer families. Br J Cancer. 2004 Mar 22;90(6):1244-51. PMID: 15026808. Easton DF et al. A systematic genetic assessment of 1,433 sequence variants of unknown clinical significance in the BRCA1 and BRCA2 breast cancer-predisposition genes. Am J Hum Genet. 2007 Nov;81(5):873-83. PMID: 17924331. Farrugia DJ et al. Functional assays for classification of BRCA2 variants of uncertain significance. Cancer Res. 2008 May 1;68(9):3523-31. PMID: 18451181. Guidugli L et al. A classification model for BRCA2 DNA binding domain missense variants based on homology-directed repair activity. Cancer Res. 2013 Jan 1;73(1):265-75. PMID: 23108138.

Women's Health and Genetics/Laboratory Corporation of America, LabCorp
Classification: Pathogenic for Hereditary breast ovarian cancer syndrome. Last evaluated: 2021-05-01. Review status: criteria provided, single submitter. Criteria: LabCorp Variant Classification Summary - May 2015. Collection method: clinical testing. Allele origin: germline. Not counted in ClinVar's aggregate classification.
Comment: Variant summary: BRCA2 c.8243G>A (p.Gly2748Asp) results in a non-conservative amino acid change located in the BRCA2, OB1 domain of the encoded protein sequence. Five of five in-silico tools predict a damaging effect of the variant on protein function. The variant allele was found at a frequency of 7.9e-06 in 252586 control chromosomes. c.8243G>A has been reported in the literature in individuals affected with Hereditary Breast and Ovarian Cancer and pancreatic cancer (example, Li_2018, Hu_2018, Lin_2016, Alsop_2012 and Claes_2004, Rebbeck_2018). These data indicate that the variant is likely to be associated with disease. Multiple independent functional studies demonstrated a deleterious impact by the variant resulting in impaired homologous recombination activity of BRCA2 and inability to complement the loss of cell viability in mouse embryonic stem cell-based functional assays, further supporting a disease-causing impact (Guidugli_2018, Mesman_2018, Hendriks_2014, Guidugli_2012, and Farrugia_2009). Multiple clinical diagnostic laboratories, a consortium (CIMBA) and an expert panel (ENIGMA) have submitted clinical-significance assessments for this variant to ClinVar after 2014 without evidence for independent evaluation. All submitters classified the variant as pathogenic/likely pathogenic. Based on the evidence outlined above, the variant was classified as pathogenic.

Mendelics
Classification: Pathogenic for Hereditary breast and ovarian cancer syndrome. Last evaluated: 2018-07-02. Review status: criteria provided, single submitter. Criteria: Mendelics Assertion Criteria 2017. Collection method: clinical testing. Allele origin: unknown. Not counted in ClinVar's aggregate classification.

Human Genome Sequencing Center Clinical Lab, Baylor College of Medicine
Classification: Pathogenic for Breast-ovarian cancer, familial, susceptibility to, 2. Last evaluated: 2018-03-05. Review status: criteria provided, single submitter. Criteria: ACMG Guidelines, 2015. Collection method: clinical testing. Allele origin: germline. Not counted in ClinVar's aggregate classification.
Comment: This c.8243G>A (p.Gly2748Asp) variant in the BRCA2 gene has been reported in multiple breast cancer and ovarian cancer patients [PMID 15026808, 22711857] while only observed with extremely low allele frequency in general population according to gnomad database. Glycine at amino acid position 2748 is highly conserved during evolution. Functional studies showed that this mutant causes reduced homology-directed recombination repair activity, compared to wild type [PMID:18451181, 23328489, 25146914]. Multiple in silico predictions suggest this glycine to asparatic acid change is deleterious. Based upon above evidences, this c.8243G>A (p.Gly2748Asp) variant in the BRCA2 gene is classified as pathogenic.

Laboratory for Molecular Medicine, Mass General Brigham Personalized Medicine
Classification: Pathogenic for Hereditary breast ovarian cancer syndrome. Last evaluated: 2016-12-21. Review status: criteria provided, single submitter. Criteria: LMM Criteria. Collection method: clinical testing. Allele origin: germline. Inheritance: Autosomal dominant inheritance. Observed: 1 variant allele. Not counted in ClinVar's aggregate classification.
Comment: The p.Gly2748Asp variant in BRCA2 has been reported in at least 10 individuals w ith BRCA2-associated cancers (Claes 2014, Breast Cancer Information Core (BIC) d atabase), and it was absent from large population studies. In vitro functional s tudies provide some evidence that the p.Gly2748Asp variant may impact protein fu nction (Guidugli 2014, Spugnesi 2013). In addition, this variant was classified as Pathogenic on August 10, 2015 by the ClinGen-approved ENIGMA expert panel (Cl inVar SCV000244484.1). In summary, this variant meets criteria to be classified as pathogenic for HBOC in an autosomal dominant manner.

Consortium of Investigators of Modifiers of BRCA1/2 (CIMBA), c/o University of Cambridge
Classification: Pathogenic for Breast-ovarian cancer, familial, susceptibility to, 2. Last evaluated: 2015-10-02. Review status: criteria provided, single submitter. Criteria: CIMBA Mutation Classification guidelines May 2016. Collection method: clinical testing. Allele origin: germline. Not counted in ClinVar's aggregate classification.

Laboratory for Genotyping Development, RIKEN
Classification: Pathogenic for Gastric cancer. Last evaluated: 2021-07-01. Review status: no assertion criteria provided. Collection method: research. Allele origin: germline. Not counted in ClinVar's aggregate classification.